The following is an entry in ClinVar:

ClinVar aggregate classification (germline): Uncertain significance (1 of 4 stars; one submission).

Allele frequency attached by ClinVar (database versions not stated): TOPMed below 0.00001; ExAC 0.00001; gnomAD exomes 0.00001.
gnomAD v4.1: 10 of 1,612,860 alleles (0.00062%); highest among the groups gnomAD compares: Non-Finnish European, 0.00085%; no homozygotes.

Submission:

Labcorp Genetics (formerly Invitae), Labcorp
Classification: Uncertain significance. Last evaluated: 2025-09-14. Review status: criteria provided, single submitter. Criteria: Invitae Variant Classification Sherloc (09022015). Collection method: clinical testing. Allele origin: germline.
Comment: This sequence change replaces proline, which is neutral and non-polar, with serine, which is neutral and polar, at codon 492 of the CAPN5 protein (p.Pro492Ser). This variant is present in population databases (rs782761209, gnomAD 0.0009%). This variant has not been reported in the literature in individuals affected with CAPN5-related conditions. ClinVar contains an entry for this variant (Variation ID: 1992689). Invitae Evidence Modeling of protein sequence and biophysical properties (such as structural, functional, and spatial information, amino acid conservation, physicochemical variation, residue mobility, and thermodynamic stability) indicates that this missense variant is not expected to disrupt CAPN5 protein function with a negative predictive value of 80%. In summary, the available evidence is currently insufficient to determine the role of this variant in disease. Therefore, it has been classified as a Variant of Uncertain Significance.

NM_004055.5(CAPN5):c.1474C>T (p.Pro492Ser)

Gene: CAPN5 (calpain 5; plus strand). Cytogenetic location: 11q13.5.
Variant type: single nucleotide variant.
Coding change: c.1474C>T on transcript NM_004055.5 (MANE Select); coding-DNA position 1474, C replaced by T.
Protein change: p.Pro492Ser; replaces proline 492 with serine.
Molecular consequence: missense variant.
Genome position (GRCh38, 1-based): chr11:77,120,896, C>T. VCF-style: chr11-77120896-C-T. GRCh37 (hg19) VCF-style: chr11-76831942-C-T.
Other names: short protein forms P492S.
Identifiers: ClinVar variation 1992689 (VCV001992689.4), dbSNP rs782761209, ClinGen allele CA6196821.